The following is an entry in ClinVar:

NM_020461.4(TUBGCP6):c.2382dup (p.Leu795fs)

Gene: TUBGCP6 (tubulin gamma complex component 6; minus strand). Cytogenetic location: 22q13.33.
Variant type: Duplication.
Coding change: c.2382dup on transcript NM_020461.4 (MANE Select); coding-DNA position 2382, one base duplicated (T; older notation c.2382dupT).
Protein change: p.Leu795fs; shifts the reading frame from leucine 795.
Molecular consequence: frameshift variant.
Genome position (GRCh38, 1-based): chr22:50,222,481, A duplicated on the plus strand (T on the coding strand, the reverse complement: TUBGCP6 is on the minus strand); the first of 4 consecutive A bases (chr22:50,222,481-50,222,484); duplicating any one gives the same sequence. VCF-style (leftmost placement, unchanged base first): chr22-50222480-G-GA. GRCh37 (hg19) VCF-style: chr22-50660909-G-GA.
Other names: short protein forms L795fs.
Identifiers: ClinVar variation 1427538 (VCV001427538.6), dbSNP rs2147182067, ClinGen allele CA2573158263.

ClinVar aggregate classification (germline): Pathogenic (1 of 4 stars; one submission).

Submission:

Labcorp Genetics (formerly Invitae), Labcorp
Classification: Pathogenic. Last evaluated: 2024-02-23. Review status: criteria provided, single submitter. Criteria: Invitae Variant Classification Sherloc (09022015). Collection method: clinical testing. Allele origin: germline.
Comment: This sequence change creates a premature translational stop signal (p.Leu795Serfs*5) in the TUBGCP6 gene. It is expected to result in an absent or disrupted protein product. Loss-of-function variants in TUBGCP6 are known to be pathogenic (PMID: 25344692). This variant is not present in population databases (gnomAD no frequency). This variant has not been reported in the literature in individuals affected with TUBGCP6-related conditions. ClinVar contains an entry for this variant (Variation ID: 1427538). For these reasons, this variant has been classified as Pathogenic.

Literature cited by the submitters: PubMed 25344692.